The following is an entry in ClinVar:

ClinVar aggregate classification (germline): Uncertain significance (1 of 4 stars; one submission).

Conditions:
Kabuki syndrome. Also called: NIIKAWA-KUROKI SYNDROME; Kabuki make-up syndrome. Identifiers: Orphanet 2322, MedGen C0796004, MONDO:0016512.

Submission:

Labcorp Genetics (formerly Invitae), Labcorp
Classification: Uncertain significance for Kabuki syndrome. Last evaluated: 2025-09-07. Review status: criteria provided, single submitter. Criteria: Invitae Variant Classification Sherloc (09022015). Collection method: clinical testing. Allele origin: germline.
Comment: This sequence change replaces serine, which is neutral and polar, with proline, which is neutral and non-polar, at codon 486 of the KMT2D protein (p.Ser486Pro). This variant is not present in population databases (gnomAD no frequency). This variant has not been reported in the literature in individuals affected with KMT2D-related conditions. Invitae Evidence Modeling of protein sequence and biophysical properties (such as structural, functional, and spatial information, amino acid conservation, physicochemical variation, residue mobility, and thermodynamic stability) indicates that this missense variant is not expected to disrupt KMT2D protein function with a negative predictive value of 95%. In summary, the available evidence is currently insufficient to determine the role of this variant in disease. Therefore, it has been classified as a Variant of Uncertain Significance.

NM_003482.4(KMT2D):c.1456T>C (p.Ser486Pro)

Gene: KMT2D (lysine methyltransferase 2D; minus strand). Cytogenetic location: 12q13.12.
Variant type: single nucleotide variant.
Coding change: c.1456T>C on transcript NM_003482.4 (MANE Select); coding-DNA position 1456, T replaced by C.
Protein change: p.Ser486Pro; replaces serine 486 with proline.
Molecular consequence: missense variant.
Genome position (GRCh38, 1-based): chr12:49,052,227, A>G on the plus strand (T>C on the coding strand, the complement: KMT2D is on the minus strand). VCF-style: chr12-49052227-A-G. GRCh37 (hg19) VCF-style: chr12-49446010-A-G.
Other names: short protein forms S486P.
Identifiers: ClinVar variation 4770791 (VCV004770791.1).